The following is an entry in ClinVar:

NM_031946.7(AGAP3):c.2040C>T (p.Cys680=)

Gene: AGAP3 (ArfGAP with GTPase domain, ankyrin repeat and PH domain 3; plus strand). Cytogenetic location: 7q36.1.
Variant type: single nucleotide variant.
Coding change: c.2040C>T on transcript NM_031946.7 (MANE Select); coding-DNA position 2040, C replaced by T.
Protein change: p.Cys680=; no amino-acid change (cysteine 680 retained).
Molecular consequence: synonymous variant.
Genome position (GRCh38, 1-based): chr7:151,142,243, C>T. VCF-style: chr7-151142243-C-T. GRCh37 (hg19) VCF-style: chr7-150839330-C-T.
Other names: c.1047C>T, p.Cys349= (NM_001281300.2); c.1731C>T, p.Cys577= (NM_001350102.2); c.1002C>T, p.Cys334= (NM_001350103.2); c.693C>T, p.Cys231= (NM_001350104.2).
Identifiers: ClinVar variation 2658182 (VCV002658182.24), dbSNP rs201520383, ClinGen allele CA4573192.

ClinVar aggregate classification (germline): Likely benign (1 of 4 stars; one submission).

Allele frequency attached by ClinVar (database versions not stated): ESP Exome Variant Server 0.00039; 1000 Genomes Project 0.00040; TOPMed 0.00046; 1000 Genomes Project 30x 0.00047; ExAC 0.00054; gnomAD 0.00054; gnomAD exomes 0.00057.
gnomAD v4.1: 914 of 1,612,946 alleles (0.057%); highest among the groups gnomAD compares: Non-Finnish European, 0.069%; no homozygotes.

Submission:

CeGaT Center for Human Genetics Tuebingen
Classification: Likely benign. Last evaluated: 2022-05-01. Review status: criteria provided, single submitter. Criteria: CeGaT Center For Human Genetics Tuebingen Variant Classification Criteria Version 2. Collection method: clinical testing. Allele origin: germline. Affected: yes. Observed: 1 variant allele.
Comment: AGAP3: BP4, BP7